The following is an entry in ClinVar:

NM_002617.4(PEX10):c.777-1G>A

Gene: PEX10 (peroxisomal biogenesis factor 10; minus strand). Cytogenetic location: 1p36.32.
Variant type: single nucleotide variant.
Coding change: c.777-1G>A on transcript NM_002617.4 (MANE Select); the canonical splice acceptor site of the intron before coding-DNA position 777, G replaced by A.
Molecular consequence: splice acceptor variant.
Genome position (GRCh38, 1-based): chr1:2,406,620, C>T on the plus strand (G>A on the coding strand, the complement: PEX10 is on the minus strand). VCF-style: chr1-2406620-C-T. GRCh37 (hg19) VCF-style: chr1-2338059-C-T.
Other names: c.345-1G>A (NM_001374427.1); c.402-1G>A (NM_001374426.1); c.834-1G>A (NM_001374425.1); c.837-1G>A (NM_153818.2, NM_153818.1).
Identifiers: ClinVar variation 2677656 (VCV002677656.2), dbSNP rs2522257720, ClinGen allele CA337984860.

ClinVar aggregate classification (germline): Likely pathogenic. Review status: criteria provided, multiple submitters, no conflicts (2 of 4 stars). 2 submissions from 2 submitters: Likely pathogenic (2). Last evaluated 2024-09-30.

Conditions:
Zellweger spectrum disorders (ZS). Also called: Zellweger syndrome; Zellweger Spectrum Disorder (ZSD); Zellweger Spectrum Disorder; Zellweger Spectrum. Identifiers: Orphanet 912, MedGen C0043459, MONDO:0019609.
Peroxisome biogenesis disorder 6A (Zellweger). Also called: Peroxisome biogenesis disorder 6A. Identifiers: Orphanet 912, MedGen C3553947, MONDO:0013936, OMIM 614870.

Submissions (2):

Natera, Inc.
Classification: Likely pathogenic for Zellweger syndrome. Last evaluated: 2024-09-30. Review status: criteria provided, single submitter. Criteria: Natera Variant Classification Schema (03/2026). Collection method: clinical testing. Allele origin: germline.
Comment: The c.837-1G>A variant in PEX10 is a canonical splice acceptor site variant predicted to affect pre-mRNA splicing, which may result in an abnormal transcript and altered protein product. This variant is expected to result in nonsense mediated decay, truncation, or a dysfunctional protein product. This variant is rare in the general population with a frequency below the threshold expected for the associated phenotype(s). Given the available evidence, this variant is classified as Likely Pathogenic.

Baylor Genetics
Classification: Likely pathogenic for Peroxisome biogenesis disorder 6A (Zellweger). Last evaluated: 2023-01-08. Review status: criteria provided, single submitter. Criteria: ACMG Guidelines, 2015. Collection method: clinical testing. Allele origin: unknown.